The following is an entry in ClinVar:

ClinVar aggregate classification (germline): Uncertain significance. Review status: criteria provided, multiple submitters, no conflicts (2 of 4 stars). 2 submissions from 2 submitters: Uncertain significance (2). Last evaluated 2025-05-27.

Conditions:
Gastrointestinal stromal tumor. Also called: Gastrointestinal stromal tumor, somatic; Gastrointestinal stroma tumor. Identifiers: Orphanet 44890, MedGen C0238198, MeSH D046152, MONDO:0011719, OMIM 606764, HP:0100723.
Hereditary cancer-predisposing syndrome. Also called: Neoplastic Syndromes, Hereditary; Tumor predisposition; Hereditary Cancer Syndrome; Hereditary neoplastic syndrome. Identifiers: Orphanet 140162, MedGen C0027672, MeSH D009386, MONDO:0015356.

Allele frequency attached by ClinVar (database versions not stated): TOPMed below 0.00001.

Submissions (2):

Ambry Genetics
Classification: Uncertain significance for Hereditary cancer-predisposing syndrome. Last evaluated: 2025-05-27. Review status: criteria provided, single submitter. Criteria: Ambry Variant Classification Scheme 2023. Collection method: clinical testing. Allele origin: germline.
Comment: The p.K304T variant (also known as c.911A>C), located in coding exon 5 of the PDGFRA gene, results from an A to C substitution at nucleotide position 911. The lysine at codon 304 is replaced by threonine, an amino acid with similar properties. This amino acid position is conserved. In addition, this alteration is predicted to be tolerated by in silico analysis. Based on the available evidence, the clinical significance of this variant remains unclear.

Labcorp Genetics (formerly Invitae), Labcorp
Classification: Uncertain significance for Gastrointestinal stromal tumor. Last evaluated: 2022-12-18. Review status: criteria provided, single submitter. Criteria: Invitae Variant Classification Sherloc (09022015). Collection method: clinical testing. Allele origin: germline.
Comment: This sequence change replaces lysine, which is basic and polar, with threonine, which is neutral and polar, at codon 304 of the PDGFRA protein (p.Lys304Thr). This variant is not present in population databases (gnomAD no frequency). This variant has not been reported in the literature in individuals affected with PDGFRA-related conditions. Advanced modeling of protein sequence and biophysical properties (such as structural, functional, and spatial information, amino acid conservation, physicochemical variation, residue mobility, and thermodynamic stability) performed at Invitae indicates that this missense variant is not expected to disrupt PDGFRA protein function. In summary, the available evidence is currently insufficient to determine the role of this variant in disease. Therefore, it has been classified as a Variant of Uncertain Significance.

NM_006206.6(PDGFRA):c.911A>C (p.Lys304Thr)

Gene: PDGFRA (platelet derived growth factor receptor alpha; plus strand). Cytogenetic location: 4q12.
Variant type: single nucleotide variant.
Coding change: c.911A>C on transcript NM_006206.6 (MANE Select); coding-DNA position 911, A replaced by C.
Protein change: p.Lys304Thr; replaces lysine 304 with threonine.
Molecular consequence: missense variant.
Genome position (GRCh38, 1-based): chr4:54,267,440, A>C. VCF-style: chr4-54267440-A-C. GRCh37 (hg19) VCF-style: chr4-55133607-A-C.
Other names: c.911A>C, p.Lys304Thr (NM_001347827.2, NM_001347829.2); c.986A>C, p.Lys329Thr (NM_001347828.2); c.950A>C, p.Lys317Thr (NM_001347830.2); short protein forms K304T, K329T, K317T.
Identifiers: ClinVar variation 2822003 (VCV002822003.4), dbSNP rs1723095511, ClinGen allele CA356891372.
Genomic context (GRCh38, chr4:54,267,440, plus strand): 5'-ACAGTGGAGATTACGAATGTGCTGCCCGCCAGGCTACCAGGGAGGTCAAAGAAATGAAGA[A>C]AGTCACTATTTCTGTCCATGGTACATTCCGCTTTCTAAAATGTCAGTTGTCCATGCTGCT-3'
Protein context (NP_006197.1, residues 294-314): QATREVKEMK[Lys304Thr]VTISVHEKGF